The following is an entry in ClinVar:

ClinVar aggregate classification (germline): Uncertain significance. Review status: criteria provided, multiple submitters, no conflicts (2 of 4 stars). 4 submissions from 4 submitters: Uncertain significance (4). Last evaluated 2025-11-04.

Conditions:
Facioscapulohumeral muscular dystrophy 2 (FSHD2). Also called: MUSCULAR DYSTROPHY, FACIOSCAPULOHUMERAL, TYPE 1B; FACIOSCAPULOHUMERAL MUSCULAR DYSTROPHY 2, DIGENIC; FSHD2, DIGENIC. Identifiers: Orphanet 269, MedGen C1834671, MONDO:0008031, OMIM 158901.
Inborn genetic diseases. Identifiers: MedGen C0950123, MeSH D030342.

Allele frequency attached by ClinVar (database versions not stated): ExAC 0.00001; gnomAD exomes 0.00002; TOPMed 0.00007.
gnomAD v4.1: 34 of 1,613,030 alleles (0.0021%); highest among the groups gnomAD compares: African/African-American, 0.021%; no homozygotes.

Submissions (4):

Ambry Genetics
Classification: Uncertain significance for Inborn genetic diseases. Last evaluated: 2025-11-04. Review status: criteria provided, single submitter. Criteria: Ambry Variant Classification Scheme 2023. Collection method: clinical testing. Allele origin: germline.

Labcorp Genetics (formerly Invitae), Labcorp
Classification: Uncertain significance for Facioscapulohumeral muscular dystrophy 2. Last evaluated: 2025-07-02. Review status: criteria provided, single submitter. Criteria: Invitae Variant Classification Sherloc (09022015). Collection method: clinical testing. Allele origin: germline.
Comment: This sequence change replaces arginine, which is basic and polar, with histidine, which is basic and polar, at codon 836 of the SMCHD1 protein (p.Arg836His). This variant is present in population databases (rs762661772, gnomAD 0.02%). This variant has not been reported in the literature in individuals affected with SMCHD1-related conditions. ClinVar contains an entry for this variant (Variation ID: 282453). Invitae Evidence Modeling of protein sequence and biophysical properties (such as structural, functional, and spatial information, amino acid conservation, physicochemical variation, residue mobility, and thermodynamic stability) indicates that this missense variant is not expected to disrupt SMCHD1 protein function with a negative predictive value of 80%. In summary, the available evidence is currently insufficient to determine the role of this variant in disease. Therefore, it has been classified as a Variant of Uncertain Significance.

Revvity Omics, Revvity
Classification: Uncertain significance. Last evaluated: 2024-06-05. Review status: criteria provided, single submitter. Criteria: ACMG Guidelines, 2015. Collection method: clinical testing. Allele origin: germline.

Eurofins Ntd Llc (ga)
Classification: Uncertain significance. Last evaluated: 2015-10-14. Review status: criteria provided, single submitter. Criteria: EGL Classification Definitions 2015. Collection method: clinical testing. Allele origin: germline. Observed: 1 variant allele, 1 heterozygote.

NM_015295.3(SMCHD1):c.2507G>A (p.Arg836His)

Gene: SMCHD1 (structural maintenance of chromosomes flexible hinge domain containing 1; plus strand). Cytogenetic location: 18p11.32.
Variant type: single nucleotide variant.
Coding change: c.2507G>A on transcript NM_015295.3 (MANE Select); coding-DNA position 2507, G replaced by A.
Protein change: p.Arg836His; replaces arginine 836 with histidine.
Molecular consequence: missense variant.
Genome position (GRCh38, 1-based): chr18:2,722,567, G>A. VCF-style: chr18-2722567-G-A. GRCh37 (hg19) VCF-style: chr18-2722565-G-A.
Other names: c.2507G>A (NM_015295.2); short protein forms R836H.
Identifiers: ClinVar variation 282453 (VCV000282453.10), dbSNP rs762661772, ClinGen allele CA8870985.